The following is an entry in ClinVar:

NM_001042472.3(ABHD12):c.532G>A (p.Ala178Thr)

Gene: ABHD12 (abhydrolase domain containing 12, lysophospholipase; minus strand). Cytogenetic location: 20p11.21.
Variant type: single nucleotide variant.
Coding change: c.532G>A on transcript NM_001042472.3 (MANE Select); coding-DNA position 532, G replaced by A.
Protein change: p.Ala178Thr; replaces alanine 178 with threonine.
Molecular consequence: missense variant.
Genome position (GRCh38, 1-based): chr20:25,320,209, C>T on the plus strand (G>A on the coding strand, the complement: ABHD12 is on the minus strand). VCF-style: chr20-25320209-C-T. GRCh37 (hg19) VCF-style: chr20-25300845-C-T.
Other names: c.532G>A, p.Ala178Thr (NM_015600.5); short protein forms A178T.
Identifiers: ClinVar variation 1057632 (VCV001057632.10), dbSNP rs147888888, ClinGen allele CA9796128.

ClinVar aggregate classification (germline): Uncertain significance. Review status: criteria provided, multiple submitters, no conflicts (2 of 4 stars). 5 submissions from 5 submitters: Uncertain significance (5). Last evaluated 2026-03-25.

Conditions:
ABHD12-related disorder. Also called: ABHD12-related condition.

Allele frequency attached by ClinVar (database versions not stated): ExAC 0.00006; gnomAD exomes 0.00006 and 0.00012; gnomAD 0.00010; TOPMed 0.00016; ESP Exome Variant Server 0.00023.
gnomAD v4.1: 192 of 1,613,880 alleles (0.012%); highest among the groups gnomAD compares: Non-Finnish European, 0.014%; no homozygotes.

Submissions (5):

PreventionGenetics, part of Exact Sciences
Classification: Uncertain significance for ABHD12-related condition. Last evaluated: 2026-03-25. Review status: criteria provided, single submitter. Criteria: ACMG Guidelines, 2015. Collection method: clinical testing. Allele origin: germline.
Comment: The ABHD12 c.532G>A variant is predicted to result in the amino acid substitution p.Ala178Thr. To our knowledge, this variant has not been reported in the literature. This variant is reported in 0.010% of alleles in individuals of European (Non-Finnish) descent in gnomAD. At this time, the clinical significance of this variant is uncertain due to the absence of conclusive functional and genetic evidence.

Women's Health and Genetics/Laboratory Corporation of America, LabCorp
Classification: Uncertain significance. Last evaluated: 2025-12-09. Review status: criteria provided, single submitter. Criteria: LabCorp Variant Classification Summary - May 2015. Collection method: clinical testing. Allele origin: germline.
Comment: Variant summary: ABHD12 c.532G>A (p.Ala178Thr) results in a non-conservative amino acid change in the encoded protein sequence. Algorithms developed to predict the effect of missense changes on protein structure and function are either unavailable or do not agree on the potential impact of this missense change. The variant allele was found at a frequency of 6e-05 in 251000 control chromosomes. This frequency is not significantly higher than estimated for disease-causing variants in ABHD12, allowing no conclusion about variant significance. To our knowledge, no occurrence of c.532G>A in individuals affected with ABHD12-related conditions and no experimental evidence demonstrating its impact on protein function have been reported. ClinVar contains an entry for this variant (Variation ID: 1057632). Based on the evidence outlined above, the variant was classified as uncertain significance.

GeneDx
Classification: Uncertain significance. Last evaluated: 2025-04-08. Review status: criteria provided, single submitter. Criteria: GeneDx Variant Classification Process June 2021. Collection method: clinical testing. Allele origin: germline. Affected: yes.
Comment: In silico analysis indicates that this missense variant does not alter protein structure/function; Has not been previously published as pathogenic or benign to our knowledge

Blueprint Genetics
Classification: Uncertain significance. Last evaluated: 2023-01-02. Review status: criteria provided, single submitter. Criteria: ACMG Guidelines, 2015. Collection method: clinical testing. Allele origin: germline.

Labcorp Genetics (formerly Invitae), Labcorp
Classification: Uncertain significance. Last evaluated: 2022-08-22. Review status: criteria provided, single submitter. Criteria: Invitae Variant Classification Sherloc (09022015). Collection method: clinical testing. Allele origin: germline.
Comment: This sequence change replaces alanine, which is neutral and non-polar, with threonine, which is neutral and polar, at codon 178 of the ABHD12 protein (p.Ala178Thr). This variant is present in population databases (rs147888888, gnomAD 0.01%). This variant has not been reported in the literature in individuals affected with ABHD12-related conditions. ClinVar contains an entry for this variant (Variation ID: 1057632). Algorithms developed to predict the effect of missense changes on protein structure and function are either unavailable or do not agree on the potential impact of this missense change (SIFT: "Tolerated"; PolyPhen-2: "Probably Damaging"; Align-GVGD: "Class C0"). In summary, the available evidence is currently insufficient to determine the role of this variant in disease. Therefore, it has been classified as a Variant of Uncertain Significance.